The following is an entry in ClinVar:

NM_001142864.4(PIEZO1):c.1361G>A (p.Trp454Ter)

Genes: HSALR1 (HSP90AB1 associated lncRNA 1; plus strand), PIEZO1 (piezo type mechanosensitive ion channel component 1 (Er blood group); minus strand). Cytogenetic location: 16q24.3.
Variant type: single nucleotide variant.
Coding change: c.1361G>A on transcript NM_001142864.4 (MANE Select); coding-DNA position 1361, G replaced by A.
Protein change: p.Trp454Ter; replaces tryptophan 454 with a stop codon.
Molecular consequence: nonsense.
Genome position (GRCh38, 1-based): chr16:88,736,344, C>T on the plus strand (G>A on the coding strand, the complement: PIEZO1 is on the minus strand). VCF-style: chr16-88736344-C-T. GRCh37 (hg19) VCF-style: chr16-88802752-C-T.
Other names: short protein forms W454*.
Identifiers: ClinVar variation 2847238 (VCV002847238.4), dbSNP rs2507916894, ClinGen allele CA397118586.

ClinVar aggregate classification (germline): Pathogenic/Likely pathogenic. Review status: criteria provided, multiple submitters, no conflicts (2 of 4 stars). 2 submissions from 2 submitters: Pathogenic (1); Likely pathogenic (1). Last evaluated 2024-09-24.

Submissions (2):

Revvity Omics, Revvity
Classification: Likely pathogenic. Last evaluated: 2024-09-24. Review status: criteria provided, single submitter. Criteria: ACMG Guidelines, 2015. Collection method: clinical testing. Allele origin: germline.

Labcorp Genetics (formerly Invitae), Labcorp
Classification: Pathogenic. Last evaluated: 2023-03-18. Review status: criteria provided, single submitter. Criteria: Invitae Variant Classification Sherloc (09022015). Collection method: clinical testing. Allele origin: germline.
Comment: Algorithms developed to predict the effect of sequence changes on RNA splicing suggest that this variant may create or strengthen a splice site. This variant has not been reported in the literature in individuals affected with PIEZO1-related conditions. This variant is not present in population databases (gnomAD no frequency). This sequence change creates a premature translational stop signal (p.Trp454*) in the PIEZO1 gene. It is expected to result in an absent or disrupted protein product. Loss-of-function variants in PIEZO1 are known to be pathogenic (PMID: 26333996). For these reasons, this variant has been classified as Pathogenic.

Literature cited by the submitters: PubMed 26333996 (cited by Labcorp Genetics (formerly Invitae), Labcorp).